The following is an entry in ClinVar:

NM_177438.3(DICER1):c.3674A>G (p.Tyr1225Cys)

Gene: DICER1 (dicer 1, ribonuclease III; minus strand). Cytogenetic location: 14q32.13.
Variant type: single nucleotide variant.
Coding change: c.3674A>G on transcript NM_177438.3 (MANE Select); coding-DNA position 3674, A replaced by G.
Protein change: p.Tyr1225Cys; replaces tyrosine 1225 with cysteine.
Molecular consequence: missense variant.
Genome position (GRCh38, 1-based): chr14:95,103,722, T>C on the plus strand (A>G on the coding strand, the complement: DICER1 is on the minus strand). VCF-style: chr14-95103722-T-C. GRCh37 (hg19) VCF-style: chr14-95570059-T-C.
Other names: c.3674A>G, p.Tyr1225Cys (NM_001195573.1, NM_001271282.3, NM_001291628.2 and 1 more transcripts); short protein forms Y1225C.
Identifiers: ClinVar variation 242090 (VCV000242090.25), dbSNP rs146584765, ClinGen allele CA7331008.
Genomic context (GRCh38, chr14:95,103,722, plus strand): 5'-CCATCAAGGTATTTATTACTCAGGAGAGTACATTCATCGCTGGGCTGGGGCTGGTTCTCG[T>C]AACTGTATAAATTCTGAATGGAATATGAGGTAGTTGGTTGCACGGGTATTTCCTGCTTGT-3'
Protein context (NP_803187.1, residues 1215-1235): TSYSIQNLYS[Tyr1225Cys]ENQPQPSDEC

ClinVar aggregate classification (germline): Conflicting classifications of pathogenicity. Review status: criteria provided, conflicting classifications (1 of 4 stars). 6 submissions from 6 submitters: Uncertain significance (4); Likely benign (2). Last evaluated 2026-02-01.

Conditions:
Pleuropulmonary blastoma (PPB). Identifiers: Orphanet 64742, MedGen C1266144, MONDO:0011014, OMIM 601200, HP:0100528.
Rhabdomyosarcoma, embryonal, 2 (RMSE2). Identifiers: MedGen C1867234, MONDO:0859046, OMIM 180295.
Euthyroid goiter (MNG1). Also called: GOITER, NONTOXIC, WITH INTRATHYROIDAL CALCIFICATION; MULTINODULAR GOITER, ADOLESCENT; SIMPLE GOITER; Goiter, multinodular 1, with or without Sertoli-Leydig cell tumors. Identifiers: Orphanet 276399, MedGen C0302859, MONDO:0007681, OMIM 138800, HP:0009798.
Global developmental delay - lung cysts - overgrowth - Wilms tumor syndrome. Also called: GLOW Syndrome; GLOBAL DEVELOPMENTAL DELAY, LUNG CYSTS, OVERGROWTH, AND WILMS TUMOR. Identifiers: Orphanet 404476, MedGen C4748924, MONDO:0018445, OMIM 618272.
DICER1-related disorder. Also called: DICER1-related condition.
DICER1-related tumor predisposition. Also called: DICER1 syndrome; DICER1-related pleuropulmonary blastoma cancer predisposition syndrome. Identifiers: Orphanet 284343, MedGen C3839822, MONDO:0100216.
Hereditary cancer-predisposing syndrome. Also called: Neoplastic Syndromes, Hereditary; Hereditary neoplastic syndrome; Hereditary Cancer Syndrome; Tumor predisposition. Identifiers: Orphanet 140162, MedGen C0027672, MeSH D009386, MONDO:0015356.

Allele frequency attached by ClinVar (database versions not stated): gnomAD exomes 0.00002; ExAC 0.00004; gnomAD 0.00006 and 0.00007; TOPMed 0.00006; ESP Exome Variant Server 0.00015; 1000 Genomes Project 0.00020; 1000 Genomes Project 30x 0.00031.
gnomAD v4.1: 62 of 1,614,230 alleles (0.0038%); highest among the groups gnomAD compares: African/African-American, 0.0053%; no homozygotes.

Submissions (6):

Labcorp Genetics (formerly Invitae), Labcorp
Classification: Likely benign for DICER1-related tumor predisposition. Last evaluated: 2026-02-01. Review status: criteria provided, single submitter. Criteria: Invitae Variant Classification Sherloc (09022015). Collection method: clinical testing. Allele origin: germline.

PreventionGenetics, part of Exact Sciences
Classification: Uncertain significance for DICER1-related condition. Last evaluated: 2025-09-07. Review status: criteria provided, single submitter. Criteria: ACMG Guidelines, 2015. Collection method: clinical testing. Allele origin: germline.
Comment: The DICER1 c.3674A>G variant is predicted to result in the amino acid substitution p.Tyr1225Cys. To our knowledge, this variant has not been reported in the literature. This variant is reported in 0.0046% of alleles in individuals of European (Non-Finnish) descent in gnomAD, and has conflicting interpretations regarding its pathogenicity in ClinVar, ranging from likely benign to uncertain (Variation ID: 242090). At this time, the clinical significance of this variant is uncertain due to the absence of conclusive functional and genetic evidence.

Ambry Genetics
Classification: Uncertain significance for Hereditary cancer-predisposing syndrome. Last evaluated: 2024-08-17. Review status: criteria provided, single submitter. Criteria: Ambry Variant Classification Scheme 2023. Collection method: clinical testing. Allele origin: germline.
Comment: The p.Y1225C variant (also known as c.3674A>G), located in coding exon 20 of the DICER1 gene, results from an A to G substitution at nucleotide position 3674. The tyrosine at codon 1225 is replaced by cysteine, an amino acid with highly dissimilar properties. This amino acid position is not well conserved in available vertebrate species. In addition, this alteration is predicted to be tolerated by in silico analysis. Since supporting evidence is limited at this time, the clinical significance of this alteration remains unclear.

Fulgent Genetics
Classification: Uncertain significance for Euthyroid goiter; Rhabdomyosarcoma, embryonal, 2; Pleuropulmonary blastoma; Global developmental delay - lung cysts - overgrowth - Wilms tumor syndrome. Last evaluated: 2024-03-18. Review status: criteria provided, single submitter. Criteria: ACMG Guidelines, 2015. Collection method: clinical testing. Allele origin: germline.

GeneDx
Classification: Uncertain significance. Last evaluated: 2023-12-20. Review status: criteria provided, single submitter. Criteria: GeneDx Variant Classification Process June 2021. Collection method: clinical testing. Allele origin: germline. Affected: yes.
Comment: In silico analysis supports that this missense variant does not alter protein structure/function; Has not been previously published as pathogenic or benign to our knowledge

Illumina Laboratory Services, Illumina
Classification: Likely benign for Pleuropulmonary blastoma. Last evaluated: 2018-01-13. Review status: criteria provided, single submitter. Criteria: ICSL Variant Classification Criteria 13 December 2019. Collection method: clinical testing. Allele origin: germline.
Comment: This variant was observed in the ICSL laboratory as part of a predisposition screen in an ostensibly healthy population. It had not been previously curated by ICSL or reported in the Human Gene Mutation Database (HGMD: prior to June 1st, 2018), and was therefore a candidate for classification through an automated scoring system. Utilizing variant allele frequency, disease prevalence and penetrance estimates, and inheritance mode, an automated score was calculated to assess if this variant is too frequent to cause the disease. Based on the score and internal cut-off values, a variant classified as likely benign is not then subjected to further curation. The score for this variant resulted in a classification of likely benign for this disease.